The following is an entry in ClinVar:

NM_001458.5(FLNC):c.4772G>A (p.Arg1591Gln)

Gene: FLNC (filamin C; plus strand). Cytogenetic location: 7q32.1.
Variant type: single nucleotide variant.
Coding change: c.4772G>A on transcript NM_001458.5 (MANE Select); coding-DNA position 4772, G replaced by A.
Protein change: p.Arg1591Gln; replaces arginine 1591 with glutamine.
Molecular consequence: missense variant.
Genome position (GRCh38, 1-based): chr7:128,848,827, G>A. VCF-style: chr7-128848827-G-A. GRCh37 (hg19) VCF-style: chr7-128488881-G-A.
Other names: c.4772G>A (NM_001458.4); c.4772G>A, p.Arg1591Gln (NM_001127487.2); short protein forms R1591Q.
Identifiers: ClinVar variation 1040595 (VCV001040595.10), dbSNP rs755741955, ClinGen allele CA4475456.
Genomic context (GRCh38, chr7:128,848,827, plus strand): 5'-GGCCTTGACCTCTGCTTCTCCCTCAGGACCCCGAGGGTAAGCCCAAGAAGGCCAACATCC[G>A]GGACAATGGGGATGGCACGTACACTGTGTCCTACCTGCCGGACATGAGTGGCCGGTACAC-3'
Protein context (NP_001449.3, residues 1581-1601): PEGKPKKANI[Arg1591Gln]DNGDGTYTVS

ClinVar aggregate classification (germline): Uncertain significance. Review status: criteria provided, multiple submitters, no conflicts (2 of 4 stars). 2 submissions from 2 submitters: Uncertain significance (2). Last evaluated 2025-05-05.

Conditions:
Cardiovascular phenotype. Identifiers: MedGen CN230736.
Myofibrillar myopathy 5. Also called: FILAMINOPATHY, AUTOSOMAL DOMINANT; Filaminopathy (type). Identifiers: Orphanet 171445, MedGen C1836050, MONDO:0012289, OMIM 609524.
Distal myopathy with posterior leg and anterior hand involvement. Also called: WILLIAMS DISTAL MYOPATHY. Identifiers: Orphanet 63273, MedGen C3279722, MONDO:0013550, OMIM 614065.
Hypertrophic cardiomyopathy 26. Also called: Cardiomyopathy, familial hypertrophic, 26. Identifiers: Orphanet 75249, MedGen C4310749, MONDO:0014883, OMIM 617047.

Allele frequency attached by ClinVar (database versions not stated): TOPMed 0.00001; ExAC 0.00002; gnomAD 0.00002; gnomAD exomes 0.00002.
gnomAD v4.1: 10 of 1,614,036 alleles (0.00062%); highest among the groups gnomAD compares: Admixed American, 0.0033%; no homozygotes.

Submissions (2):

Ambry Genetics
Classification: Uncertain significance for Cardiovascular phenotype. Last evaluated: 2025-05-05. Review status: criteria provided, single submitter. Criteria: Ambry Variant Classification Scheme 2023. Collection method: clinical testing. Allele origin: germline.
Comment: The p.R1591Q variant (also known as c.4772G>A), located in coding exon 28 of the FLNC gene, results from a G to A substitution at nucleotide position 4772. The arginine at codon 1591 is replaced by glutamine, an amino acid with highly similar properties. This amino acid position is conserved. In addition, this alteration is predicted to be tolerated by in silico analysis. Based on the available evidence, the clinical significance of this variant remains unclear.

Labcorp Genetics (formerly Invitae), Labcorp
Classification: Uncertain significance for Distal myopathy with posterior leg and anterior hand involvement; Myofibrillar myopathy 5; Hypertrophic cardiomyopathy 26. Last evaluated: 2024-12-06. Review status: criteria provided, single submitter. Criteria: Invitae Variant Classification Sherloc (09022015). Collection method: clinical testing. Allele origin: germline.
Comment: This sequence change replaces arginine, which is basic and polar, with glutamine, which is neutral and polar, at codon 1591 of the FLNC protein (p.Arg1591Gln). This variant is present in population databases (rs755741955, gnomAD 0.004%). This variant has not been reported in the literature in individuals affected with FLNC-related conditions. ClinVar contains an entry for this variant (Variation ID: 1040595). Invitae Evidence Modeling of protein sequence and biophysical properties (such as structural, functional, and spatial information, amino acid conservation, physicochemical variation, residue mobility, and thermodynamic stability) has been performed for this missense variant. However, the output from this modeling did not meet the statistical confidence thresholds required to predict the impact of this variant on FLNC protein function. In summary, the available evidence is currently insufficient to determine the role of this variant in disease. Therefore, it has been classified as a Variant of Uncertain Significance.